The following is an entry in ClinVar:

ClinVar aggregate classification (germline): Uncertain significance. Review status: criteria provided, multiple submitters, no conflicts (2 of 4 stars). 2 submissions from 2 submitters: Uncertain significance (2). Last evaluated 2025-08-05.

Conditions:
Inborn genetic diseases. Identifiers: MedGen C0950123, MeSH D030342.

gnomAD v4.1: 22 of 1,613,990 alleles (0.0014%); highest among the groups gnomAD compares: Admixed American, 0.023%; no homozygotes.

Submissions (2):

Ambry Genetics
Classification: Uncertain significance for Inborn genetic diseases. Last evaluated: 2025-08-05. Review status: criteria provided, single submitter. Criteria: Ambry Variant Classification Scheme 2023. Collection method: clinical testing. Allele origin: germline.

Labcorp Genetics (formerly Invitae), Labcorp
Classification: Uncertain significance. Last evaluated: 2021-08-31. Review status: criteria provided, single submitter. Criteria: Invitae Variant Classification Sherloc (09022015). Collection method: clinical testing. Allele origin: germline.
Comment: This sequence change replaces alanine with glycine at codon 259 of the CSGALNACT1 protein (p.Ala259Gly). The alanine residue is moderately conserved and there is a small physicochemical difference between alanine and glycine. This variant is present in population databases (rs374398144, ExAC 0.009%). This variant has not been reported in the literature in individuals affected with CSGALNACT1-related conditions. Algorithms developed to predict the effect of missense changes on protein structure and function output the following: SIFT: "Tolerated"; PolyPhen-2: "Benign"; Align-GVGD: "Class C0". The glycine amino acid residue is found in multiple mammalian species, which suggests that this missense change does not adversely affect protein function. In summary, the available evidence is currently insufficient to determine the role of this variant in disease. Therefore, it has been classified as a Variant of Uncertain Significance.

NM_001354483.2(CSGALNACT1):c.776C>G (p.Ala259Gly)

Gene: CSGALNACT1 (chondroitin sulfate N-acetylgalactosaminyltransferase 1; minus strand). Cytogenetic location: 8p21.3.
Variant type: single nucleotide variant.
Coding change: c.776C>G on transcript NM_001354483.2 (MANE Select); coding-DNA position 776, C replaced by G.
Protein change: p.Ala259Gly; replaces alanine 259 with glycine.
Molecular consequence: missense variant. On other transcripts: non-coding transcript variant (7).
Genome position (GRCh38, 1-based): chr8:19,458,501, G>C on the plus strand (C>G on the coding strand, the complement: CSGALNACT1 is on the minus strand). VCF-style: chr8-19458501-G-C. GRCh37 (hg19) VCF-style: chr8-19316012-G-C.
Other names: c.776C>G (NM_001130518.1); c.776C>G, p.Ala259Gly (NM_001130518.2, NM_001354475.2, NM_001354476.2 and 18 more transcripts); short protein forms A259G.
Identifiers: ClinVar variation 1504823 (VCV001504823.7), dbSNP rs374398144, ClinGen allele CA4654120.